The following is an entry in ClinVar:

NM_001330260.2(SCN8A):c.56C>T (p.Pro19Leu)

Genes: SCN8A (sodium voltage-gated channel alpha subunit 8; plus strand), LOC114803470 (SCN8A eExon liver enhancer; plus strand). Cytogenetic location: 12q13.13.
Variant type: single nucleotide variant.
Coding change: c.56C>T on transcript NM_001330260.2 (MANE Select); coding-DNA position 56, C replaced by T.
Protein change: p.Pro19Leu; replaces proline 19 with leucine.
Molecular consequence: missense variant.
Genome position (GRCh38, 1-based): chr12:51,662,873, C>T. VCF-style: chr12-51662873-C-T. GRCh37 (hg19) VCF-style: chr12-52056657-C-T.
Other names: c.56C>T, p.Pro19Leu (NM_001177984.3, NM_001369788.1, NM_014191.4); short protein forms P19L.
Identifiers: ClinVar variation 4736710 (VCV004736710.1).
Genomic context (GRCh38, chr12:51,662,873, plus strand): 5'-AGAAGATGGCAGCGCGGCTGCTTGCACCACCAGGCCCTGATAGTTTCAAGCCTTTCACCC[C>T]TGAGTCACTGGCAAACATTGAGAGGCGCATTGCTGAGAGCAAGCTCAAGAAACCACCAAA-3'
Protein context (NP_001317189.1, residues 9-29): PGPDSFKPFT[Pro19Leu]ESLANIERRI

ClinVar aggregate classification (germline): Uncertain significance (1 of 4 stars; one submission).

Conditions:
Early-infantile DEE. Also called: Early infantile epileptic encephalopathy; Early infantile epileptic encephalopathy with suppression bursts; Ohtahara syndrome. Identifiers: Orphanet 1934, MedGen C0393706, MONDO:0800491.

Submission:

Labcorp Genetics (formerly Invitae), Labcorp
Classification: Uncertain significance for Early-infantile DEE. Last evaluated: 2025-07-08. Review status: criteria provided, single submitter. Criteria: Invitae Variant Classification Sherloc (09022015). Collection method: clinical testing. Allele origin: germline.
Comment: This sequence change replaces proline, which is neutral and non-polar, with leucine, which is neutral and non-polar, at codon 19 of the SCN8A protein (p.Pro19Leu). This variant is not present in population databases (gnomAD no frequency). This variant has not been reported in the literature in individuals affected with SCN8A-related conditions. Invitae Evidence Modeling of protein sequence and biophysical properties (such as structural, functional, and spatial information, amino acid conservation, physicochemical variation, residue mobility, and thermodynamic stability) indicates that this missense variant is not expected to disrupt SCN8A protein function with a negative predictive value of 95%. In summary, the available evidence is currently insufficient to determine the role of this variant in disease. Therefore, it has been classified as a Variant of Uncertain Significance.